The following is an entry in ClinVar:

ClinVar aggregate classification (germline): Pathogenic/Likely pathogenic. Review status: criteria provided, multiple submitters, no conflicts (2 of 4 stars). 2 submissions from 2 submitters: Pathogenic (1); Likely pathogenic (1). Last evaluated 2025-12-23.

Conditions:
KIAA0753-related disorder.

Submissions (2):

Labcorp Genetics (formerly Invitae), Labcorp
Classification: Pathogenic. Last evaluated: 2025-12-23. Review status: criteria provided, single submitter. Criteria: Invitae Variant Classification Sherloc (09022015). Collection method: clinical testing. Allele origin: germline.
Comment: This sequence change creates a premature translational stop signal (p.His828Glnfs*25) in the KIAA0753 gene. It is expected to result in an absent or disrupted protein product. Loss-of-function variants in KIAA0753 are known to be pathogenic (PMID: 29138412). This variant is present in population databases (no rsID available, gnomAD 0.0009%). This variant has not been reported in the literature in individuals affected with KIAA0753-related conditions. For these reasons, this variant has been classified as Pathogenic.

Blueprint Genetics
Classification: Likely pathogenic for KIAA0753-related disorders. Last evaluated: 2023-10-18. Review status: criteria provided, single submitter. Criteria: ACMG Guidelines, 2015. Collection method: clinical testing. Allele origin: germline. Affected: yes. Observed: 2 variant alleles.

Literature cited by the submitters: PubMed 29138412 (cited by Labcorp Genetics (formerly Invitae), Labcorp).

NM_014804.3(KIAA0753):c.2483dup (p.His828fs)

Gene: KIAA0753 (KIAA0753; minus strand). Cytogenetic location: 17p13.1.
Variant type: Duplication.
Coding change: c.2483dup on transcript NM_014804.3 (MANE Select); coding-DNA position 2483, one base duplicated (A; older notation c.2483dupA).
Protein change: p.His828fs; shifts the reading frame from histidine 828.
Molecular consequence: frameshift variant. On other transcripts: non-coding transcript variant (3).
Genome position (GRCh38, 1-based): chr17:6,590,588, T duplicated on the plus strand (A on the coding strand, the reverse complement: KIAA0753 is on the minus strand). VCF-style (leftmost placement, unchanged base first): chr17-6590587-A-AT. GRCh37 (hg19) VCF-style: chr17-6493907-A-AT.
Other names: c.1586dup, p.His529fs (NM_001351225.2); short protein forms H828fs, H529fs.
Identifiers: ClinVar variation 4693889 (VCV004693889.2).